The following is an entry in ClinVar:

NM_021625.5(TRPV4):c.1158T>G (p.Phe386Leu)

Gene: TRPV4 (transient receptor potential cation channel subfamily V member 4; minus strand). Cytogenetic location: 12q24.11.
Variant type: single nucleotide variant.
Coding change: c.1158T>G on transcript NM_021625.5 (MANE Select); coding-DNA position 1158, T replaced by G.
Protein change: p.Phe386Leu; replaces phenylalanine 386 with leucine.
Molecular consequence: missense variant. On other transcripts: intron variant (2).
Genome position (GRCh38, 1-based): chr12:109,796,699, A>C on the plus strand (T>G on the coding strand, the complement: TRPV4 is on the minus strand). VCF-style: chr12-109796699-A-C. GRCh37 (hg19) VCF-style: chr12-110234504-A-C.
Other names: c.1017T>G, p.Phe339Leu (NM_001177428.2); c.1056T>G, p.Phe352Leu (NM_001177431.2); c.1011+1915T>G (NM_001177433.1); c.1152+1915T>G (NM_147204.2); short protein forms F339L, F386L, F352L.
Identifiers: ClinVar variation 1435782 (VCV001435782.6), dbSNP rs760428569, ClinGen allele CA6780317.

ClinVar aggregate classification (germline): Uncertain significance (1 of 4 stars; one submission).

Conditions:
Charcot-Marie-Tooth disease axonal type 2C (HMSN2C). Also called: Charcot-Marie-Tooth Disease Type 2, TRPV4-Related (CMT2C); CHARCOT-MARIE-TOOTH DISEASE, AXONAL, AUTOSOMAL DOMINANT, TYPE 2C; Charcot-Marie-Tooth Neuropathy Type 2C. Identifiers: Orphanet 99937, MedGen C1853710, MONDO:0011633, OMIM 606071.

Allele frequency attached by ClinVar (database versions not stated): TOPMed below 0.00001; gnomAD exomes 0.00001 and 0.00002; ExAC 0.00003.
gnomAD v4.1: 7 of 1,612,158 alleles (0.00043%); highest among the groups gnomAD compares: Non-Finnish European, 0.00059%; no homozygotes.

Submission:

Labcorp Genetics (formerly Invitae), Labcorp
Classification: Uncertain significance for Charcot-Marie-Tooth disease axonal type 2C. Last evaluated: 2021-11-02. Review status: criteria provided, single submitter. Criteria: Invitae Variant Classification Sherloc (09022015). Collection method: clinical testing. Allele origin: germline.
Comment: This sequence change replaces phenylalanine, which is neutral and non-polar, with leucine, which is neutral and non-polar, at codon 386 of the TRPV4 protein (p.Phe386Leu). This variant is present in population databases (rs760428569, gnomAD 0.004%). This variant has not been reported in the literature in individuals affected with TRPV4-related conditions. Advanced modeling of protein sequence and biophysical properties (such as structural, functional, and spatial information, amino acid conservation, physicochemical variation, residue mobility, and thermodynamic stability) performed at Invitae indicates that this missense variant is expected to disrupt TRPV4 protein function. In summary, the available evidence is currently insufficient to determine the role of this variant in disease. Therefore, it has been classified as a Variant of Uncertain Significance.